The following is an entry in ClinVar:

ClinVar aggregate classification (germline): Uncertain significance (1 of 4 stars; one submission).

gnomAD v4.1: 5 of 1,611,810 alleles (0.00031%); highest among the groups gnomAD compares: East Asian, 0.0022%; no homozygotes.

Submission:

Labcorp Genetics (formerly Invitae), Labcorp
Classification: Uncertain significance. Last evaluated: 2026-01-04. Review status: criteria provided, single submitter. Criteria: Invitae Variant Classification Sherloc (09022015). Collection method: clinical testing. Allele origin: germline.
Comment: This sequence change replaces arginine, which is basic and polar, with histidine, which is basic and polar, at codon 173 of the FBLN5 protein (p.Arg173His). This variant is not present in population databases (gnomAD no frequency). This missense change has been observed in individual(s) with autosomal recessive cutis laxa (PMID: 30640789). ClinVar contains an entry for this variant (Variation ID: 3709117). Invitae Evidence Modeling of protein sequence and biophysical properties (such as structural, functional, and spatial information, amino acid conservation, physicochemical variation, residue mobility, and thermodynamic stability) indicates that this missense variant is not expected to disrupt FBLN5 protein function with a negative predictive value of 80%. In summary, the available evidence is currently insufficient to determine the role of this variant in disease. Therefore, it has been classified as a Variant of Uncertain Significance.

Literature cited by the submitters: PubMed 30640789.

NM_006329.4(FBLN5):c.518G>A (p.Arg173His)

Gene: FBLN5 (fibulin 5; minus strand). Cytogenetic location: 14q32.12.
Variant type: single nucleotide variant.
Coding change: c.518G>A on transcript NM_006329.4 (MANE Select); coding-DNA position 518, G replaced by A.
Protein change: p.Arg173His; replaces arginine 173 with histidine.
Molecular consequence: missense variant.
Genome position (GRCh38, 1-based): chr14:91,891,322, C>T on the plus strand (G>A on the coding strand, the complement: FBLN5 is on the minus strand). VCF-style: chr14-91891322-C-T. GRCh37 (hg19) VCF-style: chr14-92357666-C-T.
Other names: c.641G>A, p.Arg214His (NM_001384158.1); c.569G>A, p.Arg190His (NM_001384159.1); c.518G>A, p.Arg173His (NM_001384160.1); c.350G>A, p.Arg117His (NM_001384161.1, NM_001384162.1); short protein forms R214H, R117H, R173H, R190H.
Identifiers: ClinVar variation 3709117 (VCV003709117.2).